The following is an entry in ClinVar:

NM_000352.6(ABCC8):c.2291+7C>T

Gene: ABCC8 (ATP binding cassette subfamily C member 8; minus strand). Cytogenetic location: 11p15.1.
Variant type: single nucleotide variant.
Coding change: c.2291+7C>T on transcript NM_000352.6 (MANE Select); 7 bases into the intron after coding-DNA position 2291, C replaced by T.
Molecular consequence: intron variant.
Genome position (GRCh38, 1-based): chr11:17,415,297, G>A on the plus strand (C>T on the coding strand, the complement: ABCC8 is on the minus strand). VCF-style: chr11-17415297-G-A. GRCh37 (hg19) VCF-style: chr11-17436844-G-A.
Other names: c.2288+7C>T (NM_001351297.2); c.2291+7C>T (NM_001351296.2); c.2357+7C>T (NM_001351295.2); c.2294+7C>T (NM_001287174.3).
Identifiers: ClinVar variation 1135533 (VCV001135533.12), dbSNP rs770152618, ClinGen allele CA5903218.
Genomic context (GRCh38, chr11:17,415,297, plus strand): 5'-TCCCTTGGGCCTGAGAGCACCCTGGAGGGAGTTGACCCTGGGGGGCAATGTTCCCAGGAC[G>A]CAGTACCTGATATCCAAGTCGGTCGCTGTCTCCCGCTCTGGGCTGCAGCAGGGGAGGAAA-3'

ClinVar aggregate classification (germline): Conflicting classifications of pathogenicity. Review status: criteria provided, conflicting classifications (1 of 4 stars). 4 submissions from 3 submitters: Uncertain significance (2); Likely benign (2). Last evaluated 2023-12-04.

Conditions:
Transitory neonatal diabetes mellitus. Also called: Transient neonatal diabetes mellitus. Identifiers: MedGen C0342273, MONDO:0020525, HP:0008255.
Maturity-onset diabetes of the young (MODY). Also called: Maturity onset diabetes mellitus in young. Identifiers: Orphanet 552, MedGen C0342276, MONDO:0018911, HP:0004904.

Allele frequency attached by ClinVar (database versions not stated): gnomAD 0.00001; TOPMed 0.00002.
gnomAD v4.1: 22 of 1,607,794 alleles (0.0014%); highest among the groups gnomAD compares: South Asian, 0.011%; no homozygotes.

Submissions (4):

Blueprint Genetics
Classification: Likely benign. Last evaluated: 2023-12-04. Review status: criteria provided, single submitter. Criteria: ACMG Guidelines, 2015. Collection method: clinical testing. Allele origin: germline.

Labcorp Genetics (formerly Invitae), Labcorp
Classification: Likely benign. Last evaluated: 2023-10-06. Review status: criteria provided, single submitter. Criteria: Invitae Variant Classification Sherloc (09022015). Collection method: clinical testing. Allele origin: germline.

Clinical Genomics, Uppaluri K&H Personalized Medicine Clinic
Classification: Uncertain significance for Maturity-onset diabetes of the young. Review status: criteria provided, single submitter. Criteria: K & H Uppaluri Personalized Medicine Clinic Variant Classification & Assertion Criteria_Updated V.1. Collection method: research. Allele origin: unknown. Inheritance: Somatic mutation.
Comment: Mutations in ABCC8 gene are associated with both neonatal diabetes mellitus as well as MODY. Patients with this mutation may have a better response to sulfonylureas. However, no sufficient evidence is found to ascertain the role of this particular variant (rs770152618) in MODY yet.

Clinical Genomics, Uppaluri K&H Personalized Medicine Clinic
Classification: Uncertain significance for Transitory neonatal diabetes mellitus. Review status: criteria provided, single submitter. Criteria: K & H Uppaluri Personalized Medicine Clinic Variant Classification & Assertion Criteria_Updated V.1. Collection method: research. Allele origin: unknown. Inheritance: Somatic mutation.
Comment: Mutations in ABCC8 gene are associated with both neonatal diabetes mellitus as well as MODY. Patients with this mutation may have a better response to sulfonylureas. However, no sufficient evidence is found to ascertain the role of this particular variant (rs770152618) in neonatal diabetes yet.

Literature cited by the submitters: PubMed 16885549 (cited by Clinical Genomics, Uppaluri K&H Personalized Medicine Clinic); PubMed 21989597 (cited by Clinical Genomics, Uppaluri K&H Personalized Medicine Clinic); PubMed 27538677 (cited by Clinical Genomics, Uppaluri K&H Personalized Medicine Clinic); PubMed 18981553 (cited by Clinical Genomics, Uppaluri K&H Personalized Medicine Clinic); PubMed 32027066 (cited by Clinical Genomics, Uppaluri K&H Personalized Medicine Clinic); PubMed 16613899 (cited by Clinical Genomics, Uppaluri K&H Personalized Medicine Clinic); PubMed 18025408 (cited by Clinical Genomics, Uppaluri K&H Personalized Medicine Clinic); PubMed 32792356 (cited by Clinical Genomics, Uppaluri K&H Personalized Medicine Clinic).